The following is an entry in ClinVar:

ClinVar aggregate classification (germline): Uncertain significance (1 of 4 stars; one submission).

Submission:

Labcorp Genetics (formerly Invitae), Labcorp
Classification: Uncertain significance. Last evaluated: 2024-08-06. Review status: criteria provided, single submitter. Criteria: Invitae Variant Classification Sherloc (09022015). Collection method: clinical testing. Allele origin: germline.
Comment: This sequence change replaces arginine, which is basic and polar, with glycine, which is neutral and non-polar, at codon 524 of the VCAN protein (p.Arg524Gly). This variant is not present in population databases (gnomAD no frequency). This variant has not been reported in the literature in individuals affected with VCAN-related conditions. An algorithm developed to predict the effect of missense changes on protein structure and function outputs the following: PolyPhen-2: "Benign". The glycine amino acid residue is found in multiple mammalian species, which suggests that this missense change does not adversely affect protein function. In summary, the available evidence is currently insufficient to determine the role of this variant in disease. Therefore, it has been classified as a Variant of Uncertain Significance.

NM_004385.5(VCAN):c.1570A>G (p.Arg524Gly)

Gene: VCAN (versican; plus strand). Cytogenetic location: 5q14.3.
Variant type: single nucleotide variant.
Coding change: c.1570A>G on transcript NM_004385.5 (MANE Select); coding-DNA position 1570, A replaced by G.
Protein change: p.Arg524Gly; replaces arginine 524 with glycine.
Molecular consequence: missense variant. On other transcripts: intron variant (2).
Genome position (GRCh38, 1-based): chr5:83,519,876, A>G. VCF-style: chr5-83519876-A-G. GRCh37 (hg19) VCF-style: chr5-82815695-A-G.
Other names: c.1570A>G, p.Arg524Gly (NM_001164098.2); c.1042+7480A>G (NM_001164097.2, NM_001126336.3); short protein forms R524G.
Identifiers: ClinVar variation 3661602 (VCV003661602.2).